The following is an entry in ClinVar:

ClinVar aggregate classification (germline): Uncertain significance (1 of 4 stars; one submission).

Conditions:
Hereditary cancer-predisposing syndrome. Also called: Neoplastic Syndromes, Hereditary; Tumor predisposition; Hereditary Cancer Syndrome; Hereditary neoplastic syndrome. Identifiers: Orphanet 140162, MedGen C0027672, MeSH D009386, MONDO:0015356.
Cardiovascular phenotype. Identifiers: MedGen CN230736.

Submission:

Ambry Genetics
Classification: Uncertain significance for Cardiovascular phenotype; Hereditary cancer-predisposing syndrome. Last evaluated: 2022-03-14. Review status: criteria provided, single submitter. Criteria: Ambry Variant Classification Scheme 2023. Collection method: clinical testing. Allele origin: germline.
Comment: The c.2032_2034delCCGinsTCA variant (also known as p.P678S), located in coding exon 18 of the NF1 gene, results from an in-frame deletion of CCG and insertion of TCA at nucleotide positions 2032 to 2034. This results in the substitution of the proline residue for a serine residue at codon 678, an amino acid with similar properties. This amino acid position is highly conserved in available vertebrate species. In addition, this alteration is predicted to be neutral by in silico analysis (Choi Y et al. PLoS ONE. 2012; 7(10):e46688). Since supporting evidence is limited at this time, the clinical significance of this alteration remains unclear.

NM_001042492.3(NF1):c.2032_2034delinsTCA (p.Pro678Ser)

Gene: NF1 (neurofibromin 1; plus strand). Cytogenetic location: 17q11.2.
Variant type: Indel.
Coding change: c.2032_2034delinsTCA on transcript NM_001042492.3 (MANE Select); coding-DNA positions 2032 to 2034, CCG replaced by TCA.
Protein change: p.Pro678Ser; replaces proline 678 with serine.
Molecular consequence: missense variant.
Genome position (GRCh38, 1-based): chr17:31,226,465-31,226,467, CCG replaced by TCA. VCF-style: chr17-31226465-CCG-TCA. GRCh37 (hg19) VCF-style: chr17-29553483-CCG-TCA.
Other names: c.2032_2034delCCGinsTCA (NM_000267.3); c.2032_2034delCCGinsTCA, p.Pro678Ser (NM_000267.4); short protein forms P678S.
Identifiers: ClinVar variation 820563 (VCV000820563.4), dbSNP rs1597712318, ClinGen allele CA915949719.